The following is an entry in ClinVar:

ClinVar aggregate classification (germline): Likely pathogenic (1 of 4 stars; one submission).

Conditions:
Joubert syndrome and related disorders. Identifiers: Orphanet 140874, MedGen C5679612, MONDO:0015369.

Submission:

Women's Health and Genetics/Laboratory Corporation of America, LabCorp
Classification: Likely pathogenic for Joubert syndrome and related disorders. Last evaluated: 2024-12-18. Review status: criteria provided, single submitter. Criteria: LabCorp Variant Classification Summary - May 2015. Collection method: clinical testing. Allele origin: germline.
Comment: Variant summary: CPLANE1 c.3921+1G>A is located in a canonical splice-site and is predicted to affect mRNA splicing resulting in a significantly altered protein due to either exon skipping, shortening, or inclusion of intronic material. Variants that disrupt the consensus splice site are a relatively common cause of aberrant splicing and loss of CPLANE1 function. Several computational tools predict a significant impact on normal splicing: Four predict the variant abolishes a 5' splicing donor site. However, these predictions have yet to be confirmed by functional studies. The variant was absent in 246746 control chromosomes (gnomAD). c.3921+1G>A has been reported in the literature in at least one individual affected with Joubert Syndrome And Related Disorders (Liu_2020). To our knowledge, no experimental evidence demonstrating an impact on protein function has been reported. The following publications have been ascertained in the context of this evaluation (PMID: 32233090, 36789003, 34091942). No submitters have cited clinical-significance assessments for this variant to ClinVar. Based on the evidence outlined above, the variant was classified as likely pathogenic.

Literature cited by the submitters: PubMed 34091942; PubMed 32233090; PubMed 36789003.

NM_001384732.1(CPLANE1):c.3921+1G>A

Gene: CPLANE1 (ciliogenesis and planar polarity effector complex subunit 1; minus strand). Cytogenetic location: 5p13.2.
Variant type: single nucleotide variant.
Coding change: c.3921+1G>A on transcript NM_001384732.1 (MANE Select); the canonical splice donor site of the intron after coding-DNA position 3921, G replaced by A.
Molecular consequence: splice donor variant.
Genome position (GRCh38, 1-based): chr5:37,187,732, C>T on the plus strand (G>A on the coding strand, the complement: CPLANE1 is on the minus strand). VCF-style: chr5-37187732-C-T. GRCh37 (hg19) VCF-style: chr5-37187834-C-T.
Other names: c.3921+1G>A (NM_023073.4).
Identifiers: ClinVar variation 3768521 (VCV003768521.1).